The following is an entry in ClinVar:

ClinVar aggregate classification (germline): Uncertain significance. Review status: criteria provided, multiple submitters, no conflicts (2 of 4 stars). 4 submissions from 4 submitters: Uncertain significance (4). Last evaluated 2024-02-22.

Conditions:
Arrhythmogenic cardiomyopathy with wooly hair and keratoderma. Also called: PALMOPLANTAR KERATODERMA WITH LEFT VENTRICULAR CARDIOMYOPATHY AND WOOLLY HAIR; Arrhythmogenic cardiomyopathy with woolly hair and keratoderma; Dilated cardiomyopathy with woolly hair and keratoderma; Carvajal syndrome. Identifiers: Orphanet 65282, MedGen C1854063, MONDO:0011581, OMIM 605676.
Arrhythmogenic right ventricular dysplasia 8 (ARVD8). Also called: ARRHYTHMOGENIC RIGHT VENTRICULAR CARDIOMYOPATHY 8; ARRHYTHMOGENIC RIGHT VENTRICULAR DYSPLASIA, FAMILIAL, 8; Arrhythmogenic Right Ventricular Dysplasia/Cardiomyopathy 8. Identifiers: MedGen C1843896, MONDO:0011831, OMIM 607450.
Cardiovascular phenotype. Identifiers: MedGen CN230736.
Cardiomyopathy (CMYO). Also called: Cardiomyopathies. Identifiers: Orphanet 167848, MedGen C0878544, MONDO:0004994, HP:0001638. Inheritance: Various modes of inheritance.

gnomAD v4.1: 2 of 1,614,072 alleles (0.00012%); highest among the groups gnomAD compares: Non-Finnish European, 0.00017%; no homozygotes.

Submissions (4):

All of Us Research Program, National Institutes of Health
Classification: Uncertain significance for Arrhythmogenic cardiomyopathy with wooly hair and keratoderma. Last evaluated: 2024-02-22. Review status: criteria provided, single submitter. Criteria: ACMG Guidelines, 2015. Collection method: clinical testing. Allele origin: germline. Inheritance: Autosomal dominant inheritance. Observed: 1 variant allele, 1 heterozygote.
Comment: This missense variant replaces glutamic acid with alanine at codon 745 of the DSP protein. Computational prediction tools indicate that this variant has a deleterious impact on protein structure and function. To our knowledge, functional studies have not been reported for this variant. This variant has not been reported in individuals affected with DSP-related disorders in the literature. This variant has not been identified in the general population by the Genome Aggregation Database (gnomAD). The available evidence is insufficient to determine the role of this variant in disease conclusively. Therefore, this variant is classified as a Variant of Uncertain Significance.

This study involves interpretation of variants in research participants for the purpose of population health screening. Participant phenotype was not available at the time of variant classification. Additional details can be found in publication PMID: 35346344, PMCID: PMC8962531

Color Diagnostics, LLC DBA Color Health
Classification: Uncertain significance for Cardiomyopathy. Last evaluated: 2024-02-12. Review status: criteria provided, single submitter. Criteria: ACMG Guidelines, 2015. Collection method: clinical testing. Allele origin: germline.
Comment: This missense variant replaces glutamic acid with alanine at codon 745 of the DSP protein. Computational prediction tools indicate that this variant has a deleterious impact on protein structure and function. To our knowledge, functional studies have not been reported for this variant. This variant has not been reported in individuals affected with DSP-related disorders in the literature. This variant has not been identified in the general population by the Genome Aggregation Database (gnomAD). The available evidence is insufficient to determine the role of this variant in disease conclusively. Therefore, this variant is classified as a Variant of Uncertain Significance.

Labcorp Genetics (formerly Invitae), Labcorp
Classification: Uncertain significance for Arrhythmogenic cardiomyopathy with wooly hair and keratoderma; Arrhythmogenic right ventricular dysplasia 8. Last evaluated: 2020-12-14. Review status: criteria provided, single submitter. Criteria: Invitae Variant Classification Sherloc (09022015). Collection method: clinical testing. Allele origin: germline.
Comment: In summary, the available evidence is currently insufficient to determine the role of this variant in disease. Therefore, it has been classified as a Variant of Uncertain Significance. Algorithms developed to predict the effect of missense changes on protein structure and function (SIFT, PolyPhen-2, Align-GVGD) all suggest that this variant is likely to be disruptive, but these predictions have not been confirmed by published functional studies and their clinical significance is uncertain. This variant has not been reported in the literature in individuals with DSP-related conditions. ClinVar contains an entry for this variant (Variation ID: 519035). This variant is not present in population databases (ExAC no frequency). This sequence change replaces glutamic acid with alanine at codon 745 of the DSP protein (p.Glu745Ala). The glutamic acid residue is highly conserved and there is a moderate physicochemical difference between glutamic acid and alanine.

Ambry Genetics
Classification: Uncertain significance for Cardiovascular phenotype. Last evaluated: 2017-09-22. Review status: criteria provided, single submitter. Criteria: Ambry Variant Classification Scheme 2023. Collection method: clinical testing. Allele origin: germline.
Comment: The p.E745A variant (also known as c.2234A>C), located in coding exon 16 of the DSP gene, results from an A to C substitution at nucleotide position 2234. The glutamic acid at codon 745 is replaced by alanine, an amino acid with dissimilar properties. This amino acid position is highly conserved in available vertebrate species. In addition, this alteration is predicted to be deleterious by in silico analysis. Since supporting evidence is limited at this time, the clinical significance of this alteration remains unclear.

NM_004415.4(DSP):c.2234A>C (p.Glu745Ala)

Gene: DSP (desmoplakin; plus strand). Cytogenetic location: 6p24.3.
Variant type: single nucleotide variant.
Coding change: c.2234A>C on transcript NM_004415.4 (MANE Select); coding-DNA position 2234, A replaced by C.
Protein change: p.Glu745Ala; replaces glutamic acid 745 with alanine.
Molecular consequence: missense variant.
Genome position (GRCh38, 1-based): chr6:7,574,189, A>C. VCF-style: chr6-7574189-A-C. GRCh37 (hg19) VCF-style: chr6-7574422-A-C.
Other names: c.2234A>C (LRG_423t1); c.2234A>C, p.Glu745Ala (NM_001008844.3, NM_001319034.2); short protein forms E745A.
Identifiers: ClinVar variation 519035 (VCV000519035.18), dbSNP rs969462343, ClinGen allele CA362680867.